The following is an entry in ClinVar:

NM_000059.4(BRCA2):c.9365C>T (p.Ala3122Val)

Gene: BRCA2 (BRCA2 DNA repair associated; plus strand). Cytogenetic location: 13q13.1.
Variant type: single nucleotide variant.
Coding change: c.9365C>T on transcript NM_000059.4 (MANE Select); coding-DNA position 9365, C replaced by T.
Protein change: p.Ala3122Val; replaces alanine 3122 with valine.
Molecular consequence: missense variant.
Genome position (GRCh38, 1-based): chr13:32,394,797, C>T. VCF-style: chr13-32394797-C-T. GRCh37 (hg19) VCF-style: chr13-32968934-C-T.
Other names: short protein forms A3122V.
Identifiers: ClinVar variation 220639 (VCV000220639.23), dbSNP rs571971903, ClinGen allele CA349533.

ClinVar aggregate classification (germline): Conflicting classifications of pathogenicity. Review status: criteria provided, conflicting classifications (1 of 4 stars). 6 submissions from 6 submitters: Uncertain significance (5); Likely benign (1). Last evaluated 2025-11-10.

Conditions:
BRCA2-related cancer predisposition. Identifiers: MedGen CN377758, MONDO:0700269.
Hereditary cancer-predisposing syndrome. Also called: Hereditary neoplastic syndrome; Tumor predisposition; Hereditary Cancer Syndrome; Neoplastic Syndromes, Hereditary. Identifiers: Orphanet 140162, MedGen C0027672, MeSH D009386, MONDO:0015356.
Hereditary breast ovarian cancer syndrome. Also called: BRCA1- and BRCA2-Associated Hereditary Breast and Ovarian Cancer; Hereditary breast and ovarian cancer syndrome (HBOC); Hereditary breast and/or ovarian cancer syndrome; Hereditary breast and ovarian cancer syndrome; Hereditary breast and ovarian cancer; Breast and ovarian cancer. Identifiers: Orphanet 145, MedGen C0677776, MeSH D061325, MONDO:0003582. Disease mechanism: loss of function.

Allele frequency attached by ClinVar (database versions not stated): gnomAD exomes below 0.00001; gnomAD 0.00001; ExAC 0.00002; 1000 Genomes Project 0.00020; 1000 Genomes Project 30x 0.00031.
gnomAD v4.1: 6 of 1,614,094 alleles (0.00037%); highest among the groups gnomAD compares: African/African-American, 0.0013%; no homozygotes.

Submissions (6):

Labcorp Genetics (formerly Invitae), Labcorp
Classification: Uncertain significance for Hereditary breast ovarian cancer syndrome. Last evaluated: 2025-11-10. Review status: criteria provided, single submitter. Criteria: Invitae Variant Classification Sherloc (09022015). Collection method: clinical testing. Allele origin: germline.
Comment: This sequence change replaces alanine, which is neutral and non-polar, with valine, which is neutral and non-polar, at codon 3122 of the BRCA2 protein (p.Ala3122Val). This variant is present in population databases (rs571971903, gnomAD 0.007%). This variant has not been reported in the literature in individuals affected with BRCA2-related conditions. ClinVar contains an entry for this variant (Variation ID: 220639). Invitae Evidence Modeling of protein sequence and biophysical properties (such as structural, functional, and spatial information, amino acid conservation, physicochemical variation, residue mobility, and thermodynamic stability) indicates that this missense variant is not expected to disrupt BRCA2 protein function with a negative predictive value of 95%. In summary, the available evidence is currently insufficient to determine the role of this variant in disease. Therefore, it has been classified as a Variant of Uncertain Significance.

Ambry Genetics
Classification: Likely benign for Hereditary cancer-predisposing syndrome. Last evaluated: 2025-05-16. Review status: criteria provided, single submitter. Criteria: Ambry Variant Classification Scheme 2023. Collection method: clinical testing. Allele origin: germline.

All of Us Research Program, National Institutes of Health
Classification: Uncertain significance for BRCA2-related cancer predisposition. Last evaluated: 2024-03-05. Review status: criteria provided, single submitter. Criteria: ACMG Guidelines, 2015. Collection method: clinical testing. Allele origin: germline. Inheritance: Autosomal dominant inheritance. Observed: 1 variant allele, 1 heterozygote.
Comment: This missense variant replaces alanine with valine at codon 3122 of the BRCA2 protein. Computational prediction is inconclusive regarding the impact of this variant on protein structure and function (internally defined REVEL score threshold 0.5 < inconclusive < 0.7, PMID: 27666373). To our knowledge, functional studies have not been reported for this variant. This variant has not been reported in individuals affected with hereditary cancer in the literature. This variant has been identified in 1/251330 chromosomes in the general population by the Genome Aggregation Database (gnomAD). The available evidence is insufficient to determine the role of this variant in disease conclusively. Therefore, this variant is classified as a Variant of Uncertain Significance.

This study involves interpretation of variants in research participants for the purpose of population health screening. Participant phenotype was not available at the time of variant classification. Additional details can be found in publication PMID: 35346344, PMCID: PMC8962531

Women's Health and Genetics/Laboratory Corporation of America, LabCorp
Classification: Uncertain significance. Last evaluated: 2022-08-11. Review status: criteria provided, single submitter. Criteria: LabCorp Variant Classification Summary - May 2015. Collection method: clinical testing. Allele origin: germline.

GeneDx
Classification: Uncertain significance. Last evaluated: 2022-04-26. Review status: criteria provided, single submitter. Criteria: GeneDx Variant Classification Process June 2021. Collection method: clinical testing. Allele origin: germline. Affected: yes.
Comment: Not observed at significant frequency in large population cohorts (gnomAD); In silico analysis supports that this missense variant does not alter protein structure/function; Has not been previously published as pathogenic or benign to our knowledge; Also known as 9593C>T; This variant is associated with the following publications: (PMID: 12228710, 31131967)

Color Diagnostics, LLC DBA Color Health
Classification: Uncertain significance for Hereditary cancer-predisposing syndrome. Last evaluated: 2020-07-22. Review status: criteria provided, single submitter. Criteria: ACMG Guidelines, 2015. Collection method: clinical testing. Allele origin: germline.
Comment: This missense variant replaces alanine with valine at codon 3122 of the BRCA2 protein. Computational prediction is inconclusive regarding the impact of this variant on protein structure and function (internally defined REVEL score threshold 0.5 < inconclusive < 0.7, PMID: 27666373). To our knowledge, functional studies have not been reported for this variant. This variant has not been reported in individuals affected with hereditary cancer in the literature. This variant has been identified in 1/251330 chromosomes in the general population by the Genome Aggregation Database (gnomAD). The available evidence is insufficient to determine the role of this variant in disease conclusively. Therefore, this variant is classified as a Variant of Uncertain Significance.